The following is an entry in ClinVar:

ClinVar aggregate classification (germline): Uncertain significance (1 of 4 stars; one submission).

Allele frequency attached by ClinVar (database versions not stated): ExAC 0.00002; gnomAD 0.00002; gnomAD exomes 0.00002; 1000 Genomes Project 0.00020; 1000 Genomes Project 30x 0.00031.
gnomAD v4.1: 14 of 1,613,976 alleles (0.00087%); highest among the groups gnomAD compares: South Asian, 0.015%; no homozygotes.

Submission:

Labcorp Genetics (formerly Invitae), Labcorp
Classification: Uncertain significance. Last evaluated: 2024-01-25. Review status: criteria provided, single submitter. Criteria: Invitae Variant Classification Sherloc (09022015). Collection method: clinical testing. Allele origin: germline.
Comment: This sequence change replaces glutamic acid, which is acidic and polar, with glutamine, which is neutral and polar, at codon 728 of the HPS6 protein (p.Glu728Gln). This variant is present in population databases (rs533100244, gnomAD 0.02%). This variant has not been reported in the literature in individuals affected with HPS6-related conditions. An algorithm developed to predict the effect of missense changes on protein structure and function (PolyPhen-2) suggests that this variant is likely to be disruptive. In summary, the available evidence is currently insufficient to determine the role of this variant in disease. Therefore, it has been classified as a Variant of Uncertain Significance.

NM_024747.6(HPS6):c.2182G>C (p.Glu728Gln)

Gene: HPS6 (HPS6 biogenesis of lysosomal organelles complex 2 subunit 3; plus strand). Cytogenetic location: 10q24.32.
Variant type: single nucleotide variant.
Coding change: c.2182G>C on transcript NM_024747.6 (MANE Select); coding-DNA position 2182, G replaced by C.
Protein change: p.Glu728Gln; replaces glutamic acid 728 with glutamine.
Molecular consequence: missense variant.
Genome position (GRCh38, 1-based): chr10:102,067,656, G>C. VCF-style: chr10-102067656-G-C. GRCh37 (hg19) VCF-style: chr10-103827413-G-C.
Other names: short protein forms E728Q.
Identifiers: ClinVar variation 2877146 (VCV002877146.3), dbSNP rs533100244, ClinGen allele CA5660124.